The following is an entry in ClinVar:

NM_198576.4(AGRN):c.980C>G (p.Pro327Arg)

Gene: AGRN (agrin; plus strand). Cytogenetic location: 1p36.33.
Variant type: single nucleotide variant.
Coding change: c.980C>G on transcript NM_198576.4 (MANE Select); coding-DNA position 980, C replaced by G.
Protein change: p.Pro327Arg; replaces proline 327 with arginine.
Molecular consequence: missense variant.
Genome position (GRCh38, 1-based): chr1:1,041,505, C>G. VCF-style: chr1-1041505-C-G. GRCh37 (hg19) VCF-style: chr1-976885-C-G.
Other names: c.980C>G, p.Pro327Arg (NM_001305275.2); c.665C>G, p.Pro222Arg (NM_001364727.2); short protein forms P327R, P222R.
Identifiers: ClinVar variation 657601 (VCV000657601.6), dbSNP rs774941993, ClinGen allele CA507970.

ClinVar aggregate classification (germline): Uncertain significance (1 of 4 stars; one submission).

Conditions:
Congenital myasthenic syndrome 8. Also called: MYASTHENIC SYNDROME, CONGENITAL, DUE TO AGRIN DEFICIENCY; Myasthenic syndrome, congenital, 8, with pre- and postsynaptic defects. Identifiers: Orphanet 590, MedGen C3808739, MONDO:0014052, OMIM 615120.

gnomAD v4.1: 7 of 1,598,244 alleles (0.00044%); highest among the groups gnomAD compares: South Asian, 0.0066%; no homozygotes.

Submission:

Labcorp Genetics (formerly Invitae), Labcorp
Classification: Uncertain significance for Congenital myasthenic syndrome 8. Last evaluated: 2022-03-22. Review status: criteria provided, single submitter. Criteria: Invitae Variant Classification Sherloc (09022015). Collection method: clinical testing. Allele origin: germline.
Comment: This sequence change replaces proline, which is neutral and non-polar, with arginine, which is basic and polar, at codon 327 of the AGRN protein (p.Pro327Arg). This variant is present in population databases (rs774941993, gnomAD 0.007%). This variant has not been reported in the literature in individuals affected with AGRN-related conditions. ClinVar contains an entry for this variant (Variation ID: 657601). Algorithms developed to predict the effect of missense changes on protein structure and function are either unavailable or do not agree on the potential impact of this missense change (SIFT: "Tolerated"; PolyPhen-2: "Possibly Damaging"; Align-GVGD: "Class C0"). In summary, the available evidence is currently insufficient to determine the role of this variant in disease. Therefore, it has been classified as a Variant of Uncertain Significance.